The following is an entry in ClinVar:

NM_001384140.1(PCDH15):c.2918C>T (p.Pro973Leu)

Gene: PCDH15 (protocadherin related 15; minus strand). Cytogenetic location: 10q21.1.
Variant type: single nucleotide variant.
Coding change: c.2918C>T on transcript NM_001384140.1 (MANE Select); coding-DNA position 2918, C replaced by T.
Protein change: p.Pro973Leu; replaces proline 973 with leucine.
Molecular consequence: missense variant.
Genome position (GRCh38, 1-based): chr10:53,961,843, G>A on the plus strand (C>T on the coding strand, the complement: PCDH15 is on the minus strand). VCF-style: chr10-53961843-G-A. GRCh37 (hg19) VCF-style: chr10-55721603-G-A.
Other names: c.2933C>T, p.Pro978Leu (NM_001142763.2, NM_001142771.2); c.2918C>T, p.Pro973Leu (NM_001142764.2, NM_001142766.2, NM_001142770.3 and 4 more transcripts); c.2705C>T, p.Pro902Leu (NM_001142765.2); c.2807C>T, p.Pro936Leu (NM_001142767.2); c.2852C>T, p.Pro951Leu (NM_001142768.2, NM_001142773.2, NM_001354404.2); c.2954C>T, p.Pro985Leu (NM_001142769.4); c.2939C>T, p.Pro980Leu (NM_001354411.2); short protein forms P902L, P980L, P936L, P951L, P973L, P978L, P985L.
Identifiers: ClinVar variation 2141493 (VCV002141493.3), dbSNP rs1286676622, ClinGen allele CA376521765.

ClinVar aggregate classification (germline): Uncertain significance. Review status: criteria provided, multiple submitters, no conflicts (2 of 4 stars). 3 submissions from 3 submitters: Uncertain significance (3). Last evaluated 2022-05-11.

Conditions:
Inborn genetic diseases. Identifiers: MedGen C0950123, MeSH D030342.

Allele frequency attached by ClinVar (database versions not stated): TOPMed below 0.00001; gnomAD 0.00001; gnomAD exomes 0.00001.
gnomAD v4.1: 12 of 1,610,532 alleles (0.00075%); highest among the groups gnomAD compares: Middle Eastern, 0.033%; no homozygotes.

Submissions (3):

Ambry Genetics
Classification: Uncertain significance for Inborn genetic diseases. Last evaluated: 2022-05-11. Review status: criteria provided, single submitter. Criteria: Ambry Variant Classification Scheme 2023. Collection method: clinical testing. Allele origin: germline.

Blueprint Genetics
Classification: Uncertain significance. Last evaluated: 2021-12-08. Review status: criteria provided, single submitter. Criteria: ACMG Guidelines, 2015. Collection method: clinical testing. Allele origin: germline.

Labcorp Genetics (formerly Invitae), Labcorp
Classification: Uncertain significance. Last evaluated: 2021-09-17. Review status: criteria provided, single submitter. Criteria: Invitae Variant Classification Sherloc (09022015). Collection method: clinical testing. Allele origin: germline.
Comment: This sequence change replaces proline with leucine at codon 973 of the PCDH15 protein (p.Pro973Leu). The proline residue is highly conserved and there is a moderate physicochemical difference between proline and leucine. This variant is not present in population databases (ExAC no frequency). This variant has not been reported in the literature in individuals with PCDH15-related disease. Algorithms developed to predict the effect of missense changes on protein structure and function are either unavailable or do not agree on the potential impact of this missense change (SIFT: "Deleterious"; PolyPhen-2: "Probably Damaging"; Align-GVGD: "Class C0"). In summary, the available evidence is currently insufficient to determine the role of this variant in disease. Therefore, it has been classified as a Variant of Uncertain Significance.